The following is an entry in ClinVar:

NM_000503.6(EYA1):c.418+1G>A

Gene: EYA1 (EYA transcriptional coactivator and phosphatase 1; minus strand). Cytogenetic location: 8q13.3.
Variant type: single nucleotide variant.
Coding change: c.418+1G>A on transcript NM_000503.6 (MANE Select); the canonical splice donor site of the intron after coding-DNA position 418, G replaced by A.
Molecular consequence: splice donor variant.
Genome position (GRCh38, 1-based): chr8:71,321,733, C>T on the plus strand (G>A on the coding strand, the complement: EYA1 is on the minus strand). VCF-style: chr8-71321733-C-T. GRCh37 (hg19) VCF-style: chr8-72233968-C-T.
Other names: c.502+1G>A (NM_001370336.1); c.505+1G>A (NM_001370333.1, NM_172059.5); c.418+1G>A (NM_001370335.1, NM_001370334.1, NM_172058.4); c.319+1G>A (NM_001411797.1, NM_172060.4); c.67+1G>A (NM_001288575.2); c.415+1G>A (NM_001288574.2).
Identifiers: ClinVar variation 280879 (VCV000280879.4), dbSNP rs886042006, ClinGen allele CA10603095.

ClinVar aggregate classification (germline): Pathogenic/Likely pathogenic. Review status: criteria provided, multiple submitters, no conflicts (2 of 4 stars). 3 submissions from 3 submitters: Pathogenic (1); Likely pathogenic (1). 1 of the submissions does not count toward it. Last evaluated 2023-03-09.

Conditions:
EYA1-related disorders.

Submissions (3):

GeneDx
Classification: Pathogenic. Last evaluated: 2023-03-09. Review status: criteria provided, single submitter. Criteria: GeneDx Variant Classification Process June 2021. Collection method: clinical testing. Allele origin: germline. Affected: yes.
Comment: Canonical splice site variant predicted to result in a null allele in a gene for which loss of function is a known mechanism of disease; Not observed at significant frequency in large population cohorts (gnomAD); This variant is associated with the following publications: (PMID: 30586318)

Blueprint Genetics
Classification: Likely pathogenic for EYA1-related disorders. Last evaluated: 2020-05-19. Review status: criteria provided, single submitter. Criteria: ACMG Guidelines, 2015. Collection method: clinical testing. Allele origin: germline. Affected: yes. Observed: 2 variant alleles.

Gharavi Laboratory, Columbia University
Classification: Pathogenic. Last evaluated: 2018-09-16. Review status: no assertion criteria provided. Criteria: ACMG Guidelines, 2015. Collection method: research. Allele origin: germline. Affected: yes. Not counted in ClinVar's aggregate classification.